The following is an entry in ClinVar:

ClinVar aggregate classification (germline): Uncertain significance (1 of 4 stars; one submission).

Allele frequency attached by ClinVar (database versions not stated): ExAC 0.00002; gnomAD 0.00002.
gnomAD v4.1: 13 of 1,613,236 alleles (0.00081%); highest among the groups gnomAD compares: Admixed American, 0.0033%; no homozygotes.

Submission:

GeneDx
Classification: Uncertain significance. Last evaluated: 2022-05-03. Review status: criteria provided, single submitter. Criteria: GeneDx Variant Classification Process June 2021. Collection method: clinical testing. Allele origin: germline. Affected: yes.
Comment: Not observed at significant frequency in large population cohorts (gnomAD); Has not been previously published as pathogenic or benign to our knowledge; In silico analysis, which includes splice predictors and evolutionary conservation, suggests this variant may impact gene splicing. In the absence of RNA/functional studies, the actual effect of this sequence change is unknown.

NM_000091.5(COL4A3):c.3948C>T (p.Gly1316=)

Genes: COL4A3 (collagen type IV alpha 3 chain; plus strand), MFF-DT (MFF divergent transcript; minus strand). Cytogenetic location: 2q36.3.
Variant type: single nucleotide variant.
Coding change: c.3948C>T on transcript NM_000091.5 (MANE Select); coding-DNA position 3948, C replaced by T.
Protein change: p.Gly1316=; no amino-acid change (glycine 1316 retained).
Molecular consequence: synonymous variant.
Genome position (GRCh38, 1-based): chr2:227,303,103, C>T. VCF-style: chr2-227303103-C-T. GRCh37 (hg19) VCF-style: chr2-228167819-C-T.
Identifiers: ClinVar variation 1723102 (VCV001723102.2), dbSNP rs368594549, ClinGen allele CA2147393.